The following is an entry in ClinVar:

ClinVar aggregate classification (germline): Uncertain significance (1 of 4 stars; one submission).

Conditions:
Wilms tumor 1 (WT1). Also called: Wilms tumor, somatic. Identifiers: Orphanet 654, MedGen CN033288, MONDO:0008679, OMIM 194070.

Submission:

Labcorp Genetics (formerly Invitae), Labcorp
Classification: Uncertain significance for Wilms tumor 1. Last evaluated: 2022-06-21. Review status: criteria provided, single submitter. Criteria: Invitae Variant Classification Sherloc (09022015). Collection method: clinical testing. Allele origin: germline.
Comment: This sequence change replaces serine, which is neutral and polar, with asparagine, which is neutral and polar, at codon 400 of the GPC3 protein (p.Ser400Asn). This variant is not present in population databases (gnomAD no frequency). This variant has not been reported in the literature in individuals affected with GPC3-related conditions. Algorithms developed to predict the effect of missense changes on protein structure and function output the following: SIFT: "Tolerated"; PolyPhen-2: "Benign"; Align-GVGD: "Class C0". The asparagine amino acid residue is found in multiple mammalian species, which suggests that this missense change does not adversely affect protein function. In summary, the available evidence is currently insufficient to determine the role of this variant in disease. Therefore, it has been classified as a Variant of Uncertain Significance.

NM_004484.4(GPC3):c.1199G>A (p.Ser400Asn)

Gene: GPC3 (glypican 3; minus strand). Cytogenetic location: Xq26.2.
Variant type: single nucleotide variant.
Coding change: c.1199G>A on transcript NM_004484.4 (MANE Select); coding-DNA position 1199, G replaced by A.
Protein change: p.Ser400Asn; replaces serine 400 with asparagine.
Molecular consequence: missense variant.
Genome position (GRCh38, 1-based): chrX:133,692,462, C>T on the plus strand (G>A on the coding strand, the complement: GPC3 is on the minus strand). VCF-style: chrX-133692462-C-T. GRCh37 (hg19) VCF-style: chrX-132826490-C-T.
Other names: c.1268G>A, p.Ser423Asn (NM_001164617.2); c.1151G>A, p.Ser384Asn (NM_001164618.2); c.1037G>A, p.Ser346Asn (NM_001164619.2); short protein forms S400N, S346N, S384N, S423N.
Identifiers: ClinVar variation 1950389 (VCV001950389.5), dbSNP rs2071074320, ClinGen allele CA414705696.
Genomic context (GRCh38, chrX:133,692,462, plus strand): 5'-GTGTCGTTTTCCGCCACAGGGCTATGGCTGCAGATGTAGCCAGGCAAAGCACTATAGAAG[C>T]TGATGAAAGACTTCAACTTCTGAATTAGTTCCCTAAAAGAAAAACAAAACATCTGTGCAT-3'
Protein context (NP_004475.1, residues 390-410): ELIQKLKSFI[Ser400Asn]FYSALPGYIC